The following is an entry in ClinVar:

ClinVar aggregate classification (germline): Benign (1 of 4 stars; one submission).

Submission:

GeneDx
Classification: Benign. Last evaluated: 2012-04-11. Review status: criteria provided, single submitter. Criteria: GeneDx Variant Classification (06012015). Collection method: clinical testing. Allele origin: germline. Affected: yes.
Comment: The variant is found in MITONUC-MITOP panel(s).

NM_152416.4(NDUFAF6):c.421-14del

Gene: NDUFAF6 (NADH:ubiquinone oxidoreductase complex assembly factor 6; plus strand). Cytogenetic location: 8q22.1.
Variant type: Deletion.
Coding change: c.421-14del on transcript NM_152416.4 (MANE Select); 14 bases into the intron before coding-DNA position 421, one base deleted (T; older notation c.421-14delT).
Molecular consequence: intron variant.
Genome position (GRCh38, 1-based): chr8:95,041,556, T deleted. VCF-style (leftmost placement, unchanged base first): chr8-95041555-CT-C. GRCh37 (hg19) VCF-style: chr8-96053783-CT-C.
Other names: c.88-14del (NM_001354534.2, NM_001354518.2, NM_001354519.2 and 1 more transcripts); c.145-14del (NM_001354514.2, NM_001354515.2, NM_001330582.2 and 1 more transcripts); c.-36-14del (NM_001354525.2, NM_001354524.2, NM_001354522.2 and 7 more transcripts); c.265-14del (NM_001354516.2).
Identifiers: ClinVar variation 214206 (VCV000214206.1), dbSNP rs863223928, ClinGen allele CA324099.